The following is an entry in ClinVar:

ClinVar aggregate classification (germline): Likely benign. Review status: criteria provided, multiple submitters, no conflicts (2 of 4 stars). 3 submissions from 3 submitters: Likely benign (3). Last evaluated 2026-03-11.

Conditions:
Congenital prothrombin deficiency. Also called: Hereditary factor II deficiency disease; Factor II deficiency; HYPOPROTHROMBINEMIA; Inherited hypoprothrombinemia; Congenital factor II deficiency; Inherited prothrombin deficiency. Identifiers: Orphanet 325, MedGen C0272317, MONDO:0013361, OMIM 613679.
F2-related disorder. Also called: F2-related condition; F2-related disorders.
Inborn genetic diseases. Identifiers: MedGen C0950123, MeSH D030342.

Allele frequency attached by ClinVar (database versions not stated): TOPMed 0.00004; gnomAD exomes 0.00006; gnomAD 0.00007; ExAC 0.00008.
gnomAD v4.1: 96 of 1,610,388 alleles (0.006%); highest among the groups gnomAD compares: Middle Eastern, 0.016%; no homozygotes.

Submissions (3):

PreventionGenetics, part of Exact Sciences
Classification: Likely benign for F2-related condition. Last evaluated: 2026-03-11. Review status: criteria provided, single submitter. Criteria: ACMG Guidelines, 2015. Collection method: clinical testing. Allele origin: germline.
Comment: This variant is classified as likely benign based on ACMG/AMP sequence variant interpretation guidelines (Richards et al. 2015 PMID: 25741868, with internal and published modifications).

Labcorp Genetics (formerly Invitae), Labcorp
Classification: Likely benign for Congenital prothrombin deficiency. Last evaluated: 2025-12-26. Review status: criteria provided, single submitter. Criteria: Invitae Variant Classification Sherloc (09022015). Collection method: clinical testing. Allele origin: germline.

Ambry Genetics
Classification: Likely benign for Inborn genetic diseases. Last evaluated: 2021-05-15. Review status: criteria provided, single submitter. Criteria: Ambry Variant Classification Scheme 2023. Collection method: clinical testing. Allele origin: germline.

NM_000506.5(F2):c.1209C>T (p.Thr403=)

Gene: F2 (coagulation factor II, thrombin; plus strand). Cytogenetic location: 11p11.2.
Variant type: single nucleotide variant.
Coding change: c.1209C>T on transcript NM_000506.5 (MANE Select); coding-DNA position 1209, C replaced by T.
Protein change: p.Thr403=; no amino-acid change (threonine 403 retained).
Molecular consequence: synonymous variant.
Genome position (GRCh38, 1-based): chr11:46,728,074, C>T. VCF-style: chr11-46728074-C-T. GRCh37 (hg19) VCF-style: chr11-46749624-C-T.
Identifiers: ClinVar variation 1749516 (VCV001749516.6), dbSNP rs768384383, ClinGen allele CA5967210.